The following is an entry in ClinVar:

ClinVar aggregate classification (germline): Uncertain significance. Review status: criteria provided, multiple submitters, no conflicts (2 of 4 stars). 4 submissions from 4 submitters: Uncertain significance (4). Last evaluated 2025-08-30.

Conditions:
Cardiovascular phenotype. Identifiers: MedGen CN230736.
Long QT syndrome (LQTS). Identifiers: MedGen C0023976, MeSH D008133, MONDO:0002442. Disease mechanism: loss of function. Inheritance: Various modes of inheritance.

Allele frequency attached by ClinVar (database versions not stated): gnomAD exomes below 0.00001 and 0.00001; TOPMed below 0.00001; gnomAD 0.00001.
gnomAD v4.1: 9 of 1,564,434 alleles (0.00058%); highest among the groups gnomAD compares: Middle Eastern, 0.017%; no homozygotes.

Submissions (4):

Ambry Genetics
Classification: Uncertain significance for Cardiovascular phenotype. Last evaluated: 2025-08-30. Review status: criteria provided, single submitter. Criteria: Ambry Variant Classification Scheme 2023. Collection method: clinical testing. Allele origin: germline.

Labcorp Genetics (formerly Invitae), Labcorp
Classification: Uncertain significance for Long QT syndrome. Last evaluated: 2022-08-20. Review status: criteria provided, single submitter. Criteria: Invitae Variant Classification Sherloc (09022015). Collection method: clinical testing. Allele origin: germline.
Comment: In summary, the available evidence is currently insufficient to determine the role of this variant in disease. Therefore, it has been classified as a Variant of Uncertain Significance. Algorithms developed to predict the effect of missense changes on protein structure and function are either unavailable or do not agree on the potential impact of this missense change (SIFT: "Tolerated"; PolyPhen-2: "Probably Damaging"; Align-GVGD: "Class C0"). ClinVar contains an entry for this variant (Variation ID: 519463). This variant has not been reported in the literature in individuals affected with AKAP9-related conditions. This variant is present in population databases (no rsID available, gnomAD 0.001%). This sequence change replaces lysine, which is basic and polar, with glutamic acid, which is acidic and polar, at codon 2639 of the AKAP9 protein (p.Lys2639Glu).

Blueprint Genetics
Classification: Uncertain significance. Last evaluated: 2018-03-06. Review status: criteria provided, single submitter. Criteria: ACMG Guidelines, 2015. Collection method: clinical testing. Allele origin: germline.

Breakthrough Genomics
Classification: Uncertain significance. Review status: criteria provided, single submitter. Criteria: ACMG Guidelines, 2015. Collection method: not provided. Allele origin: germline. Inheritance: Autosomal recessive inheritance. Affected: yes.

NM_005751.5(AKAP9):c.7915A>G (p.Lys2639Glu)

Gene: AKAP9 (A-kinase anchoring protein 9; plus strand). Cytogenetic location: 7q21.2.
Variant type: single nucleotide variant.
Coding change: c.7915A>G on transcript NM_005751.5 (MANE Select); coding-DNA position 7915, A replaced by G.
Protein change: p.Lys2639Glu; replaces lysine 2639 with glutamic acid.
Molecular consequence: missense variant.
Genome position (GRCh38, 1-based): chr7:92,080,048, A>G. VCF-style: chr7-92080048-A-G. GRCh37 (hg19) VCF-style: chr7-91709362-A-G.
Other names: c.2560A>G, p.Lys854Glu (NM_001379277.1); c.7891A>G, p.Lys2631Glu (NM_147185.3); short protein forms K2639E, K2631E, K854E.
Identifiers: ClinVar variation 519463 (VCV000519463.13), dbSNP rs1426533488, ClinGen allele CA368136811.
Genomic context (GRCh38, chr7:92,080,048, plus strand): 5'-CATACTAGTTTGATTTTAGAAAAAGAACAAGTAGAAATTGCAGAAAAAAATGTTTTAGAA[A>G]AAGAAAAGAAGCTGCTAGAACTACAGAAGCTATTGGAGGGCAATGAGAAAAAACAGAGAG-3'
Protein context (NP_005742.4, residues 2629-2649): VEIAEKNVLE[Lys2639Glu]EKKLLELQKL